The following is an entry in ClinVar:

ClinVar aggregate classification (germline): Conflicting classifications of pathogenicity. Review status: criteria provided, conflicting classifications (1 of 4 stars). 8 submissions from 8 submitters: Pathogenic (2); Likely pathogenic (2); Uncertain significance (1). 3 of the submissions do not count toward it. Last evaluated 2026-01-14.

Conditions:
Dilated cardiomyopathy 1G (CMD1G). Identifiers: Orphanet 154, MedGen C1858763, MONDO:0011400, OMIM 604145.
Autosomal recessive limb-girdle muscular dystrophy type 2J (LGMDR10). Also called: Limb-girdle muscular dystrophy, type 2J; MUSCULAR DYSTROPHY, LIMB-GIRDLE, AUTOSOMAL RECESSIVE 10. Identifiers: Orphanet 140922, MedGen C1837342, MONDO:0012127, OMIM 608807.
Early-onset myopathy with fatal cardiomyopathy (CMYO5). Also called: Salih Myopathy; CONGENITAL MYOPATHY 5 WITH CARDIOMYOPATHY. Identifiers: Orphanet 289377, MedGen C2673677, MONDO:0012714, OMIM 611705. Disease mechanism: loss of function.

Allele frequency attached by ClinVar (database versions not stated): gnomAD exomes below 0.00001 and 0.00002; gnomAD 0.00003; TOPMed 0.00004.
gnomAD v4.1: 39 of 1,613,608 alleles (0.0024%); highest among the groups gnomAD compares: Non-Finnish European, 0.0025%; no homozygotes.

Submissions (8):

Labcorp Genetics (formerly Invitae), Labcorp
Classification: Pathogenic for Dilated cardiomyopathy 1G; Autosomal recessive limb-girdle muscular dystrophy type 2J. Last evaluated: 2026-01-14. Review status: criteria provided, single submitter. Criteria: Invitae Variant Classification Sherloc (09022015). Collection method: clinical testing. Allele origin: germline.
Comment: This sequence change creates a premature translational stop signal (p.Arg5308*) in the TTN gene. While this is not anticipated to result in nonsense mediated decay, it is expected to create a truncated TTN protein. The frequency data for this variant in the population databases is considered unreliable, as metrics indicate poor data quality at this position in the gnomAD database. This premature translational stop signal has been observed in individual(s) with autosomal recessive TTN-related myopathies (PMID: 32778822, 33449170, 36495114). In at least one individual the data is consistent with being in trans (on the opposite chromosome) from a pathogenic variant. It has also been observed to segregate with disease in related individuals. This variant has been reported in individual(s) with atrial fibrillation (PMID: 30535219); however, the role of the variant in this condition is currently unclear. ClinVar contains an entry for this variant (Variation ID: 284964). Algorithms developed to predict the effect of sequence changes on RNA splicing suggest that this variant may disrupt the consensus splice site. This variant is located in the I band of TTN (PMID: 25589632). Truncating variants in this region have been reported in individuals affected with autosomal recessive centronuclear myopathy (PMID: 23975875, internal data). Truncating variants in this region have also been identified in individuals affected with autosomal dominant dilated cardiomyopathy and/or cardio-related conditions (PMID: 27869827, 32964742, internal data). For these reasons, this variant has been classified as Pathogenic.

GeneDx
Classification: Likely pathogenic. Last evaluated: 2025-07-29. Review status: criteria provided, single submitter. Criteria: GeneDx Variant Classification Process June 2021. Collection method: clinical testing. Allele origin: germline. Affected: yes.
Comment: Nonsense variant predicted to result in protein truncation or nonsense mediated decay in a region of a gene for which loss of function is not a well-established mechanism of disease; Not observed at significant frequency in large population cohorts (gnomAD); Also known as p.(Arg4991Ter); This variant is associated with the following publications: (PMID: 35177841, 36495114, 33082984, 32778822, 38155593, 33449170, 30535219, 31691645)

Revvity Omics, Revvity
Classification: Likely pathogenic. Last evaluated: 2025-06-17. Review status: criteria provided, single submitter. Criteria: ACMG Guidelines, 2015. Collection method: clinical testing. Allele origin: germline.

Blueprint Genetics
Classification: Uncertain significance. Last evaluated: 2024-02-29. Review status: criteria provided, single submitter. Criteria: ACMG Guidelines, 2015. Collection method: clinical testing. Allele origin: germline.

Baylor Genetics
Classification: Pathogenic for Early-onset myopathy with fatal cardiomyopathy. Last evaluated: 2019-10-29. Review status: criteria provided, single submitter. Criteria: ACMG Guidelines, 2015. Collection method: clinical testing. Allele origin: unknown. Affected: yes.
Comment: This variant was determined to be pathogenic according to ACMG Guidelines, 2015 [PMID:25741868].

Eurofins Ntd Llc (ga)
Classification: Uncertain significance. Last evaluated: 2016-01-19. Review status: flagged submission. Criteria: EGL Classification Definitions 2015. Collection method: clinical testing. Allele origin: germline. Observed: 2 variant alleles, 2 heterozygotes. Not counted in ClinVar's aggregate classification.
ClinVar note: Reason: Older claim that does not account for recent evidence

Clinical Genetics, Academic Medical Center
Classification: Uncertain significance. Review status: flagged submission. Collection method: clinical testing. Allele origin: germline. Affected: yes. Study: VKGL Data-share Consensus. Not counted in ClinVar's aggregate classification.
ClinVar note: Reason: Claim with insufficient supporting evidence

Laboratory of Diagnostic Genome Analysis, Leiden University Medical Center (LUMC)
Classification: Uncertain significance. Review status: flagged submission. Collection method: clinical testing. Allele origin: germline. Affected: yes. Study: VKGL Data-share Consensus. Not counted in ClinVar's aggregate classification.
ClinVar note: Reason: Claim with insufficient supporting evidence

Literature cited by the submitters: PubMed 32778822 (cited by Labcorp Genetics (formerly Invitae), Labcorp); PubMed 33449170 (cited by Labcorp Genetics (formerly Invitae), Labcorp); PubMed 36495114 (cited by Labcorp Genetics (formerly Invitae), Labcorp); PubMed 30535219 (cited by Labcorp Genetics (formerly Invitae), Labcorp); PubMed 25589632 (cited by Labcorp Genetics (formerly Invitae), Labcorp); PubMed 23975875 (cited by Labcorp Genetics (formerly Invitae), Labcorp); PubMed 27869827 (cited by Labcorp Genetics (formerly Invitae), Labcorp); PubMed 32964742 (cited by Labcorp Genetics (formerly Invitae), Labcorp).

NM_001267550.2(TTN):c.15922C>T (p.Arg5308Ter)

Gene: TTN (titin; minus strand). Cytogenetic location: 2q31.2.
Variant type: single nucleotide variant.
Coding change: c.15922C>T on transcript NM_001267550.2 (MANE Select); coding-DNA position 15922, C replaced by T.
Protein change: p.Arg5308Ter; replaces arginine 5308 with a stop codon.
Molecular consequence: nonsense. On other transcripts: intron variant (3).
Genome position (GRCh38, 1-based): chr2:178,733,371, G>A on the plus strand (C>T on the coding strand, the complement: TTN is on the minus strand). VCF-style: chr2-178733371-G-A. GRCh37 (hg19) VCF-style: chr2-179598098-G-A.
Other names: c.15922C>T (NM_001267550.1); c.14971C>T, p.Arg4991Ter (NM_001256850.1); c.12190C>T, p.Arg4064Ter (NM_133378.4); c.13282+4711C>T (NM_003319.4); c.13858+4711C>T (NM_133437.4); c.13657+4711C>T (NM_133432.3); short protein forms R4064*, R5308*, R4991*.
Identifiers: ClinVar variation 284964 (VCV000284964.29), dbSNP rs886042995, ClinGen allele CA10604970.